The following is an entry in ClinVar:

ClinVar aggregate classification (germline): Benign/Likely benign. Review status: criteria provided, multiple submitters, no conflicts (2 of 4 stars). 4 submissions from 4 submitters: Benign (1); Likely benign (3). Last evaluated 2025-06-02.

Conditions:
Hereditary cancer-predisposing syndrome. Also called: Neoplastic Syndromes, Hereditary; Tumor predisposition; Hereditary Cancer Syndrome; Hereditary neoplastic syndrome. Identifiers: Orphanet 140162, MedGen C0027672, MeSH D009386, MONDO:0015356.
Tuberous sclerosis syndrome (TSC). Also called: Tuberous Sclerosis Complex; Tuberous sclerosis. Identifiers: Orphanet 805, MedGen C0041341, MONDO:0001734.
Tuberous sclerosis 2 (TSC2). Identifiers: Orphanet 805, MedGen C1860707, MONDO:0013199, OMIM 613254.

gnomAD v4.1: 1 of 1,611,194 alleles (0.000062%); highest among the groups gnomAD compares: Non-Finnish European, 0.000085%; no homozygotes.

Submissions (4):

Myriad Genetics, Inc.
Classification: Benign for Tuberous sclerosis 2. Last evaluated: 2025-06-02. Review status: criteria provided, single submitter. Criteria: Myriad Autosomal Dominant, Autosomal Recessive and X-Linked Classification Criteria (2023). Collection method: clinical testing. Allele origin: unknown.
Comment: This variant is considered benign. This variant is a silent/synonymous amino acid change and it is not expected to impact splicing.

Labcorp Genetics (formerly Invitae), Labcorp
Classification: Likely benign for Tuberous sclerosis 2. Last evaluated: 2025-04-01. Review status: criteria provided, single submitter. Criteria: Invitae Variant Classification Sherloc (09022015). Collection method: clinical testing. Allele origin: germline.

All of Us Research Program, National Institutes of Health
Classification: Likely benign for Tuberous sclerosis syndrome. Last evaluated: 2023-10-27. Review status: criteria provided, single submitter. Criteria: ACMG Guidelines, 2015. Collection method: clinical testing. Allele origin: germline. Inheritance: Autosomal dominant inheritance. Observed: 1 variant allele, 1 heterozygote.
Comment: This study involves interpretation of variants in research participants for the purpose of population health screening. Participant phenotype was not available at the time of variant classification. Additional details can be found in publication PMID: 35346344, PMCID: PMC8962531

Ambry Genetics
Classification: Likely benign for Hereditary cancer-predisposing syndrome. Last evaluated: 2021-03-06. Review status: criteria provided, single submitter. Criteria: Ambry Variant Classification Scheme 2023. Collection method: clinical testing. Allele origin: germline.

NM_000548.5(TSC2):c.3963G>A (p.Glu1321=)

Gene: TSC2 (TSC complex subunit 2; plus strand). Cytogenetic location: 16p13.3.
Variant type: single nucleotide variant.
Coding change: c.3963G>A on transcript NM_000548.5 (MANE Select); coding-DNA position 3963, G replaced by A.
Protein change: p.Glu1321=; no amino-acid change (glutamic acid 1321 retained).
Molecular consequence: synonymous variant.
Genome position (GRCh38, 1-based): chr16:2,083,774, G>A. VCF-style: chr16-2083774-G-A. GRCh37 (hg19) VCF-style: chr16-2133775-G-A.
Other names: c.3762G>A, p.Glu1254= (NM_001077183.3); c.3894G>A, p.Glu1298= (NM_001114382.3); c.3654G>A, p.Glu1218= (NM_001318827.2); c.3618G>A, p.Glu1206= (NM_001318829.2); c.3231G>A, p.Glu1077= (NM_001318831.2); c.3795G>A, p.Glu1265= (NM_001318832.2); c.3765G>A, p.Glu1255= (NM_001363528.2); c.3831G>A, p.Glu1277= (NM_001370404.1); and 1 more.
Identifiers: ClinVar variation 536046 (VCV000536046.16), dbSNP rs587778737, ClinGen allele CA492956676.